The following is an entry in ClinVar:

ClinVar aggregate classification (germline): Uncertain significance (1 of 4 stars; one submission).

Conditions:
NIK deficiency. Also called: Primary immunodeficiency with multifaceted aberrant lymphoid immunity. Identifiers: Orphanet 447731, MedGen C5680065, MONDO:0018642.

Allele frequency attached by ClinVar (database versions not stated): gnomAD exomes 0.00003 and 0.00006; ExAC 0.00008; gnomAD 0.00017 and 0.00019; TOPMed 0.00022; ESP Exome Variant Server 0.00041.
gnomAD v4.1: 70 of 1,601,700 alleles (0.0044%); highest among the groups gnomAD compares: African/African-American, 0.088%; 1 homozygote.

Submission:

Labcorp Genetics (formerly Invitae), Labcorp
Classification: Uncertain significance for NIK deficiency. Last evaluated: 2021-12-27. Review status: criteria provided, single submitter. Criteria: Invitae Variant Classification Sherloc (09022015). Collection method: clinical testing. Allele origin: germline.
Comment: This sequence change replaces glycine, which is neutral and non-polar, with serine, which is neutral and polar, at codon 497 of the MAP3K14 protein (p.Gly497Ser). This variant is present in population databases (rs201948973, gnomAD 0.1%). This variant has not been reported in the literature in individuals affected with MAP3K14-related conditions. ClinVar contains an entry for this variant (Variation ID: 942478). Experimental studies and prediction algorithms are not available or were not evaluated, and the functional significance of this variant is currently unknown. In summary, the available evidence is currently insufficient to determine the role of this variant in disease. Therefore, it has been classified as a Variant of Uncertain Significance.

NM_003954.5(MAP3K14):c.1489G>A (p.Gly497Ser)

Gene: MAP3K14 (mitogen-activated protein kinase kinase kinase 14; minus strand). Cytogenetic location: 17q21.31.
Variant type: single nucleotide variant.
Coding change: c.1489G>A on transcript NM_003954.5 (MANE Select); coding-DNA position 1489, G replaced by A.
Protein change: p.Gly497Ser; replaces glycine 497 with serine.
Molecular consequence: missense variant.
Genome position (GRCh38, 1-based): chr17:45,274,186, C>T on the plus strand (G>A on the coding strand, the complement: MAP3K14 is on the minus strand). VCF-style: chr17-45274186-C-T. GRCh37 (hg19) VCF-style: chr17-43351553-C-T.
Other names: short protein forms G497S.
Identifiers: ClinVar variation 942478 (VCV000942478.7), dbSNP rs201948973, ClinGen allele CA8614131.